The following is an entry in ClinVar:

ClinVar aggregate classification (germline): Likely benign (1 of 4 stars; one submission).

gnomAD v4.1: 436 of 1,552,150 alleles (0.028%); highest among the groups gnomAD compares: South Asian, 0.3%; 4 homozygotes.

Submission:

CeGaT Center for Human Genetics Tuebingen
Classification: Likely benign. Last evaluated: 2026-06-01. Review status: criteria provided, single submitter. Criteria: CeGaT Center For Human Genetics Tuebingen Variant Classification Criteria Version 2. Collection method: clinical testing. Allele origin: germline. Affected: yes. Observed: 1 variant allele.
Comment: ZNF397: BS2

NM_001135178.3(ZNF397):c.1514G>A (p.Gly505Glu)

Gene: ZNF397 (zinc finger protein 397; plus strand). Cytogenetic location: 18q12.2.
Variant type: single nucleotide variant.
Coding change: c.1514G>A on transcript NM_001135178.3 (MANE Select); coding-DNA position 1514, G replaced by A.
Protein change: p.Gly505Glu; replaces glycine 505 with glutamic acid.
Molecular consequence: missense variant. On other transcripts: intron variant (1).
Genome position (GRCh38, 1-based): chr18:35,246,219, G>A. VCF-style: chr18-35246219-G-A. GRCh37 (hg19) VCF-style: chr18-32826183-G-A.
Other names: c.646+868G>A (NM_032347.3); short protein forms G505E.
Identifiers: ClinVar variation 5038455 (VCV005038455.1).